The following is an entry in ClinVar:

NM_007294.4(BRCA1):c.4358-1746_4986+736dup

Gene: BRCA1 (BRCA1 DNA repair associated; minus strand). Cytogenetic location: 17q21.31.
Variant type: Duplication.
Coding change: c.4358-1746_4986+736dup on transcript NM_007294.4 (MANE Select); 1746 bases into the intron before coding-DNA position 4358 through 736 bases into the intron after coding-DNA position 4986, 8,169 bases duplicated.
Molecular consequence: splice acceptor variant, splice donor variant. On other transcripts: intron variant (1).
Genome position (GRCh38, 1-based): chr17:43,070,192-43,078,360, 8,169 bases duplicated. GRCh37 (hg19): chr17:41,222,209-41,230,377.
Other names: c.1114+974_1743+736dup (NM_001407971.1, NM_001407970.1); c.4358-1749_4983+736dup (NM_001407616.1, NM_001407858.1, NM_001407617.1 and 7 more transcripts); c.1040-1746_1668+736dup (NM_001408406.1, NM_001408408.1); c.4355-1749_4980+736dup (NM_001407641.1, NM_001407640.1, NM_001407638.1 and 8 more transcripts); c.4355-1746_4983+736dup (NM_001407624.1, NM_001407626.1, NM_001407860.1 and 7 more transcripts); c.923-1746_1551+736dup (NM_001408444.1, NM_001408432.1, NM_001408443.1 and 5 more transcripts); c.926-1749_1551+736dup (NM_001408438.1, NM_001408439.1, NM_001408440.1 and 2 more transcripts); c.926-1746_1554+736dup (NM_001408430.1, NM_001408427.1, NM_001408425.1 and 3 more transcripts); and 100 more.
Identifiers: ClinVar variation 1739969 (VCV001739969.2).

ClinVar aggregate classification (germline): Pathogenic (1 of 4 stars; one submission).

Conditions:
Hereditary cancer-predisposing syndrome. Also called: Hereditary Cancer Syndrome; Hereditary neoplastic syndrome; Neoplastic Syndromes, Hereditary; Tumor predisposition. Identifiers: Orphanet 140162, MedGen C0027672, MeSH D009386, MONDO:0015356.

Submission:

Ambry Genetics
Classification: Pathogenic for Hereditary cancer-predisposing syndrome. Last evaluated: 2017-06-14. Review status: criteria provided, single submitter. Criteria: Ambry Variant Classification Scheme 2023. Collection method: clinical testing. Allele origin: germline.
Comment: The EX12_14dup gross duplication spans coding exons 12 through 14 in the BRCA1 gene. Additional analysis to determine breakpoints identified that this duplication is in tandem and is predicted to result in a premature truncation causing a translational frameshift with a predicted alternate stop codon (Ambry internal data). As such, this alteration is interpreted as a disease-causing mutation.